The following is an entry in ClinVar:

ClinVar aggregate classification (germline): Uncertain significance (1 of 4 stars; one submission).

gnomAD v4.1: 1 of 1,614,128 alleles (0.000062%); highest among the groups gnomAD compares: Non-Finnish European, 0.000085%; no homozygotes.

Submission:

GeneDx
Classification: Uncertain significance. Last evaluated: 2026-02-23. Review status: criteria provided, single submitter. Criteria: GeneDx Variant Classification Process June 2021. Collection method: clinical testing. Allele origin: germline.
Comment: Not observed at significant frequency in large population cohorts (gnomAD); In silico analysis supports that this missense variant has a deleterious effect on protein structure/function; Has not been previously published as pathogenic or benign to our knowledge

NM_003070.5(SMARCA2):c.2216A>G (p.Tyr739Cys)

Gene: SMARCA2 (SWI/SNF related BAF chromatin remodeling complex subunit ATPase 2; plus strand). Cytogenetic location: 9p24.3.
Variant type: single nucleotide variant.
Coding change: c.2216A>G on transcript NM_003070.5 (MANE Select); coding-DNA position 2216, A replaced by G.
Protein change: p.Tyr739Cys; replaces tyrosine 739 with cysteine.
Molecular consequence: missense variant.
Genome position (GRCh38, 1-based): chr9:2,081,863, A>G. VCF-style: chr9-2081863-A-G. GRCh37 (hg19) VCF-style: chr9-2081863-A-G.
Other names: c.2216A>G, p.Tyr739Cys (NM_001289396.2, NM_001289397.2, NM_139045.4); short protein forms Y739C.
Identifiers: ClinVar variation 4976536 (VCV004976536.1).